The following is an entry in ClinVar:

ClinVar aggregate classification (germline): Uncertain significance (1 of 4 stars; one submission).

Conditions:
Primary ciliary dyskinesia 6. Also called: Primary Ciliary Dyskinesia 6: TXNDC3-Related Primary Ciliary Dyskinesia. Identifiers: Orphanet 244, MedGen C1970506, MONDO:0012571, OMIM 610852.

Submission:

Labcorp Genetics (formerly Invitae), Labcorp
Classification: Uncertain significance for Primary ciliary dyskinesia 6. Last evaluated: 2022-06-17. Review status: criteria provided, single submitter. Criteria: Invitae Variant Classification Sherloc (09022015). Collection method: clinical testing. Allele origin: germline.
Comment: This variant is not present in population databases (gnomAD no frequency). This sequence change replaces leucine, which is neutral and non-polar, with isoleucine, which is neutral and non-polar, at codon 29 of the NME8 protein (p.Leu29Ile). In summary, the available evidence is currently insufficient to determine the role of this variant in disease. Therefore, it has been classified as a Variant of Uncertain Significance. Algorithms developed to predict the effect of missense changes on protein structure and function are either unavailable or do not agree on the potential impact of this missense change (SIFT: "Tolerated"; PolyPhen-2: "Possibly Damaging"; Align-GVGD: "Class C0"). This variant has not been reported in the literature in individuals affected with NME8-related conditions.

NM_016616.5(NME8):c.85T>A (p.Leu29Ile)

Gene: NME8 (NME/NM23 family member 8; plus strand). Cytogenetic location: 7p14.1.
Variant type: single nucleotide variant.
Coding change: c.85T>A on transcript NM_016616.5 (MANE Select); coding-DNA position 85, T replaced by A.
Protein change: p.Leu29Ile; replaces leucine 29 with isoleucine.
Molecular consequence: missense variant.
Genome position (GRCh38, 1-based): chr7:37,850,429, T>A. VCF-style: chr7-37850429-T-A. GRCh37 (hg19) VCF-style: chr7-37890031-T-A.
Other names: short protein forms L29I.
Identifiers: ClinVar variation 2053685 (VCV002053685.4), dbSNP rs2483605119, ClinGen allele CA367219144.